The following is an entry in ClinVar:

ClinVar aggregate classification (germline): Pathogenic/Likely pathogenic. Review status: criteria provided, multiple submitters, no conflicts (2 of 4 stars). 3 submissions from 3 submitters: Pathogenic (2); Likely pathogenic (1). Last evaluated 2025-01-23.

Conditions:
Severe myoclonic epilepsy in infancy (DRVT). Also called: DEVELOPMENTAL AND EPILEPTIC ENCEPHALOPATHY 6A; Severe Myoclonic Epilepsy in Infancy (SMEI); SEVERE MYOCLONIC EPILEPSY OF INFANCY; Dravet syndrome; Epileptic encephalopathy, early infantile, 6 (Dravet syndrome). Identifiers: Orphanet 33069, MedGen C0751122, MONDO:0100135, OMIM 607208.
Developmental and epileptic encephalopathy. Identifiers: MedGen C5779964, MONDO:0100620.

Submissions (3):

GeneDx
Classification: Pathogenic. Last evaluated: 2025-01-23. Review status: criteria provided, single submitter. Criteria: GeneDx Variant Classification Process June 2021. Collection method: clinical testing. Allele origin: germline. Affected: yes.
Comment: Not observed at significant frequency in large population cohorts (gnomAD); In silico analysis supports that this missense variant has a deleterious effect on protein structure/function; This substitution is predicted to be within the extracellular loop between the S5 and S6 transmembrane segments of the second homologous domain; This variant is associated with the following publications: (PMID: Steinhoff2021[article], 36939041, 37329172)

Labcorp Genetics (formerly Invitae), Labcorp
Classification: Pathogenic for Early-infantile DEE. Last evaluated: 2021-08-13. Review status: criteria provided, single submitter. Criteria: Invitae Variant Classification Sherloc (09022015). Collection method: clinical testing. Allele origin: germline.

Baylor Genetics
Classification: Likely pathogenic for Severe myoclonic epilepsy in infancy. Last evaluated: 2019-02-26. Review status: criteria provided, single submitter. Criteria: ACMG Guidelines, 2015. Collection method: clinical testing. Allele origin: de novo. Affected: yes.
Comment: This variant was determined to be likely pathogenic according to ACMG Guidelines, 2015 [PMID:25741868].

NM_001165963.4(SCN1A):c.2792G>T (p.Arg931Leu)

Gene: SCN1A (sodium voltage-gated channel alpha subunit 1; minus strand). Cytogenetic location: 2q24.3.
Variant type: single nucleotide variant.
Coding change: c.2792G>T on transcript NM_001165963.4 (MANE Select); coding-DNA position 2792, G replaced by T.
Protein change: p.Arg931Leu; replaces arginine 931 with leucine.
Molecular consequence: missense variant. On other transcripts: non-coding transcript variant (1).
Genome position (GRCh38, 1-based): chr2:166,037,930, C>A on the plus strand (G>T on the coding strand, the complement: SCN1A is on the minus strand). VCF-style: chr2-166037930-C-A. GRCh37 (hg19) VCF-style: chr2-166894440-C-A.
Other names: c.2792G>T, p.Arg931Leu (NM_001353948.2, NM_001202435.3); c.2759G>T, p.Arg920Leu (NM_001353949.2, NM_001353950.2, NM_001353951.2 and 2 more transcripts); c.2756G>T, p.Arg919Leu (NM_001353954.2, NM_001353955.2); c.2708G>T, p.Arg903Leu (NM_001353957.2, NM_001353958.2, NM_001165964.3); c.2705G>T, p.Arg902Leu (NM_001353960.2); c.350G>T, p.Arg117Leu (NM_001353961.2); short protein forms R902L, R931L, R117L, R919L, R903L, R920L.
Identifiers: ClinVar variation 837128 (VCV000837128.8), dbSNP rs794726718, ClinGen allele CA349061364.